The following is an entry in ClinVar:

NM_015274.3(MAN2B2):c.1162C>T (p.Arg388Cys)

Gene: MAN2B2 (mannosidase alpha class 2B member 2; plus strand). Cytogenetic location: 4p16.1.
Variant type: single nucleotide variant.
Coding change: c.1162C>T on transcript NM_015274.3 (MANE Select); coding-DNA position 1162, C replaced by T.
Protein change: p.Arg388Cys; replaces arginine 388 with cysteine.
Molecular consequence: missense variant.
Genome position (GRCh38, 1-based): chr4:6,597,217, C>T. VCF-style: chr4-6597217-C-T. GRCh37 (hg19) VCF-style: chr4-6598944-C-T.
Other names: c.1009C>T, p.Arg337Cys (NM_001292038.2); short protein forms R337C, R388C.
Identifiers: ClinVar variation 4848508 (VCV004848508.1).

ClinVar aggregate classification (germline): Uncertain significance (1 of 4 stars; one submission).

Submission:

Women's Health and Genetics/Laboratory Corporation of America, LabCorp
Classification: Uncertain significance. Last evaluated: 2026-04-16. Review status: criteria provided, single submitter. Criteria: LabCorp Variant Classification Summary - May 2015. Collection method: clinical testing. Allele origin: germline.
Comment: Variant summary: MAN2B2 c.1162C>T (p.Arg388Cys) results in a non-conservative amino acid change in the encoded protein sequence. Algorithms developed to predict the effect of missense changes on protein structure and function all suggest that this variant is likely to be disruptive. The variant allele was found at a frequency of 0.00094 in 247906 control chromosomes. This frequency is not significantly higher than estimated for disease-causing variants in MAN2B2, allowing no conclusion about variant significance. To our knowledge, no occurrence of c.1162C>T in individuals affected with MAN2B2-related conditions and no experimental evidence demonstrating its impact on protein function have been reported. No submitters have cited clinical-significance assessments for this variant to ClinVar. Based on the evidence outlined above, the variant was classified as uncertain significance.